The following is an entry in ClinVar:

NM_006269.2(RP1):c.3588C>T (p.Leu1196=)

Gene: RP1 (RP1 axonemal microtubule associated; plus strand). Cytogenetic location: 8q12.1.
Variant type: single nucleotide variant.
Coding change: c.3588C>T on transcript NM_006269.2 (MANE Select); coding-DNA position 3588, C replaced by T.
Protein change: p.Leu1196=; no amino-acid change (leucine 1196 retained).
Molecular consequence: synonymous variant. On other transcripts: intron variant (1).
Genome position (GRCh38, 1-based): chr8:54,627,470, C>T. VCF-style: chr8-54627470-C-T. GRCh37 (hg19) VCF-style: chr8-55540030-C-T.
Other names: c.787+5182C>T (NM_001375654.1).
Identifiers: ClinVar variation 3702035 (VCV003702035.10).

ClinVar aggregate classification (germline): Likely benign. Review status: criteria provided, multiple submitters, no conflicts (2 of 4 stars). 2 submissions from 2 submitters: Likely benign (2). Last evaluated 2025-08-01.

gnomAD v4.1: 1 of 1,614,134 alleles (0.000062%); highest among the groups gnomAD compares: Non-Finnish European, 0.000085%; no homozygotes.

Submissions (2):

CeGaT Center for Human Genetics Tuebingen
Classification: Likely benign. Last evaluated: 2025-08-01. Review status: criteria provided, single submitter. Criteria: CeGaT Center For Human Genetics Tuebingen Variant Classification Criteria Version 2. Collection method: clinical testing. Allele origin: germline. Affected: yes. Observed: 1 variant allele.
Comment: RP1: BP4, BP7

Labcorp Genetics (formerly Invitae), Labcorp
Classification: Likely benign. Last evaluated: 2024-06-05. Review status: criteria provided, single submitter. Criteria: Invitae Variant Classification Sherloc (09022015). Collection method: clinical testing. Allele origin: germline.